The following is an entry in ClinVar:

NM_020937.4(FANCM):c.4318-1G>A

Gene: FANCM (FA complementation group M; plus strand). Cytogenetic location: 14q21.2.
Variant type: single nucleotide variant.
Coding change: c.4318-1G>A on transcript NM_020937.4 (MANE Select); the canonical splice acceptor site of the intron before coding-DNA position 4318, G replaced by A.
Molecular consequence: splice acceptor variant.
Genome position (GRCh38, 1-based): chr14:45,181,636, G>A. VCF-style: chr14-45181636-G-A. GRCh37 (hg19) VCF-style: chr14-45650839-G-A.
Other names: c.4318-1G>A (NM_020937.3); c.4240-1G>A (NM_001308133.2).
Identifiers: ClinVar variation 960400 (VCV000960400.13), dbSNP rs752228025, ClinGen allele CA7169696.

ClinVar aggregate classification (germline): Conflicting classifications of pathogenicity. Review status: criteria provided, conflicting classifications (1 of 4 stars). 3 submissions from 3 submitters: Likely pathogenic (2); Uncertain significance (1). Last evaluated 2025-06-02.

Conditions:
Fanconi anemia (FA). Also called: Fanconi's anemia. Identifiers: Orphanet 84, MedGen C0015625, MeSH D005199, MONDO:0019391.

Allele frequency attached by ClinVar (database versions not stated): gnomAD exomes 0.00004 and 0.00008; ExAC 0.00009.

Submissions (3):

Labcorp Genetics (formerly Invitae), Labcorp
Classification: Likely pathogenic for Fanconi anemia. Last evaluated: 2025-06-02. Review status: criteria provided, single submitter. Criteria: Invitae Variant Classification Sherloc (09022015). Collection method: clinical testing. Allele origin: germline.
Comment: This sequence change affects an acceptor splice site in intron 15 of the FANCM gene. It is expected to disrupt RNA splicing. Variants that disrupt the donor or acceptor splice site typically lead to a loss of protein function (PMID: 16199547), and loss-of-function variants in FANCM are known to be pathogenic (PMID: 29895858, 30075111). This variant is present in population databases (rs752228025, gnomAD 0.06%). This variant has not been reported in the literature in individuals affected with FANCM-related conditions. ClinVar contains an entry for this variant (Variation ID: 960400). Algorithms developed to predict the effect of sequence changes on RNA splicing suggest that this variant may disrupt the consensus splice site. In summary, the currently available evidence indicates that the variant is pathogenic, but additional data are needed to prove that conclusively. Therefore, this variant has been classified as Likely Pathogenic.

GeneDx
Classification: Uncertain significance. Last evaluated: 2025-05-04. Review status: criteria provided, single submitter. Criteria: GeneDx Variant Classification Process June 2021. Collection method: clinical testing. Allele origin: germline. Affected: yes.
Comment: Canonical splice site variant predicted to result in an in-frame loss of the adjacent exon in a gene for which loss of function is a known mechanism of disease; This variant is associated with the following publications: (PMID: 35710434, 33471991)

Quest Diagnostics Nichols Institute San Juan Capistrano
Classification: Likely pathogenic. Last evaluated: 2024-02-23. Review status: criteria provided, single submitter. Criteria: Quest Diagnostics criteria. Collection method: clinical testing. Allele origin: unknown.
Comment: The FANCM c.4318-1G>A variant disrupts a canonical splice-acceptor site and is predicted to interfere with normal FANCM mRNA splicing. This variant has been reported in the published literature in individuals with breast cancer (PMID: 35710434 (2022), 33471991 (2021), see also LOVD). The frequency of this variant in the general population, 0.00062 (19/30552 chromosomes (Genome Aggregation Database)), is uninformative in the assessment of its pathogenicity. Based on the available information, this variant is classified as likely pathogenic.

Literature cited by the submitters: PubMed 16199547 (cited by Labcorp Genetics (formerly Invitae), Labcorp); PubMed 29895858 (cited by Labcorp Genetics (formerly Invitae), Labcorp); PubMed 30075111 (cited by Labcorp Genetics (formerly Invitae), Labcorp); PubMed 33471991 (cited by Quest Diagnostics Nichols Institute San Juan Capistrano); PubMed 35710434 (cited by Quest Diagnostics Nichols Institute San Juan Capistrano).